The following is an entry in ClinVar:

ClinVar aggregate classification (germline): Uncertain significance (1 of 4 stars; one submission).

gnomAD v4.1: 11 of 1,614,048 alleles (0.00068%); highest among the groups gnomAD compares: South Asian, 0.0022%; no homozygotes.

Submission:

Dasa
Classification: Uncertain significance. Last evaluated: 2025-10-25. Review status: criteria provided, single submitter. Criteria: DASA Assertion Criteria. Collection method: clinical testing. Allele origin: germline.
Comment: NM_020338.4(ZMIZ1):c.2132G>A (p.Arg711Gln) is a missense variant that results in the substitution of arginine with glutamine. This variant is rare in population databases. The currently available literature and clinical evidence are not sufficient to establish a definitive association between this variant and the reported condition. Therefore, this variant is classified as a variant of uncertain significance.

NM_020338.4(ZMIZ1):c.2132G>A (p.Arg711Gln)

Gene: ZMIZ1 (zinc finger MIZ-type containing 1; plus strand). Cytogenetic location: 10q22.3.
Variant type: single nucleotide variant.
Coding change: c.2132G>A on transcript NM_020338.4 (MANE Select); coding-DNA position 2132, G replaced by A.
Protein change: p.Arg711Gln; replaces arginine 711 with glutamine.
Molecular consequence: missense variant.
Genome position (GRCh38, 1-based): chr10:79,304,021, G>A. VCF-style: chr10-79304021-G-A. GRCh37 (hg19) VCF-style: chr10-81063778-G-A.
Other names: short protein forms R711Q.
Identifiers: ClinVar variation 4882555 (VCV004882555.2).